The following is an entry in ClinVar:

NM_000548.5(TSC2):c.846C>A (p.Asp282Glu)

Gene: TSC2 (TSC complex subunit 2; plus strand). Cytogenetic location: 16p13.3.
Variant type: single nucleotide variant.
Coding change: c.846C>A on transcript NM_000548.5 (MANE Select); coding-DNA position 846, C replaced by A.
Protein change: p.Asp282Glu; replaces aspartic acid 282 with glutamic acid.
Molecular consequence: missense variant.
Genome position (GRCh38, 1-based): chr16:2,057,176, C>A. VCF-style: chr16-2057176-C-A. GRCh37 (hg19) VCF-style: chr16-2107177-C-A.
Other names: c.846C>A, p.Asp282Glu (NM_001077183.3, NM_001114382.3, NM_001363528.2 and 3 more transcripts); c.735C>A, p.Asp245Glu (NM_001318827.2); c.699C>A, p.Asp233Glu (NM_001318829.2); c.246C>A, p.Asp82Glu (NM_001318831.2); c.879C>A, p.Asp293Glu (NM_001318832.2); short protein forms D282E, D82E, D233E, D245E, D293E.
Identifiers: ClinVar variation 135379 (VCV000135379.17), dbSNP rs587778734, ClinGen allele CA023019.

ClinVar aggregate classification (germline): Conflicting classifications of pathogenicity. Review status: criteria provided, conflicting classifications (1 of 4 stars). 5 submissions from 5 submitters: Uncertain significance (3); Likely benign (1). 1 of the submissions does not count toward it. Last evaluated 2025-11-26.

Conditions:
Hereditary cancer-predisposing syndrome. Also called: Tumor predisposition; Hereditary neoplastic syndrome; Neoplastic Syndromes, Hereditary; Hereditary Cancer Syndrome. Identifiers: Orphanet 140162, MedGen C0027672, MeSH D009386, MONDO:0015356.
Tuberous sclerosis syndrome (TSC). Also called: Tuberous sclerosis; Tuberous Sclerosis Complex. Identifiers: Orphanet 805, MedGen C0041341, MONDO:0001734.
Tuberous sclerosis 2 (TSC2). Identifiers: Orphanet 805, MedGen C1860707, MONDO:0013199, OMIM 613254.

gnomAD v4.1: 1 of 1,551,742 alleles (0.000064%); no homozygotes.

Submissions (5):

Labcorp Genetics (formerly Invitae), Labcorp
Classification: Likely benign for Tuberous sclerosis 2. Last evaluated: 2025-11-26. Review status: criteria provided, single submitter. Criteria: Invitae Variant Classification Sherloc (09022015). Collection method: clinical testing. Allele origin: germline.

Ambry Genetics
Classification: Uncertain significance for Hereditary cancer-predisposing syndrome. Last evaluated: 2024-03-02. Review status: criteria provided, single submitter. Criteria: Ambry Variant Classification Scheme 2023. Collection method: clinical testing. Allele origin: germline.
Comment: The p.D282E variant (also known as c.846C>A), located in coding exon 8 of the TSC2 gene, results from a C to A substitution at nucleotide position 846. The aspartic acid at codon 282 is replaced by glutamic acid, an amino acid with highly similar properties. This variant was identified in a cohort of 681 ancestrally diverse, healthy subjects (Bodian DL et al. PLoS One, 2014 Apr;9:e94554). This amino acid position is not well conserved in available vertebrate species. In addition, the in silico prediction for this alteration is inconclusive. Since supporting evidence is limited at this time, the clinical significance of this alteration remains unclear.

All of Us Research Program, National Institutes of Health
Classification: Uncertain significance for Tuberous sclerosis syndrome. Last evaluated: 2023-04-03. Review status: criteria provided, single submitter. Criteria: ACMG Guidelines, 2015. Collection method: clinical testing. Allele origin: germline. Inheritance: Autosomal dominant inheritance. Observed: 1 variant allele, 1 heterozygote.
Comment: This missense variant replaces aspartic acid with glutamic acid at codon 282 of the TSC2 protein. Computational prediction suggests that this variant may not impact protein structure and function (internally defined REVEL score threshold <= 0.5, PMID: 27666373). To our knowledge, functional studies have not been reported for this variant. This variant has not been reported in individuals affected with TSC2-related disorders in the literature. This variant has not been identified in the general population by the Genome Aggregation Database (gnomAD). The available evidence is insufficient to determine the role of this variant in disease conclusively. Therefore, this variant is classified as a Variant of Uncertain Significance.

This study involves interpretation of variants in research participants for the purpose of population health screening. Participant phenotype was not available at the time of variant classification. Additional details can be found in publication PMID: 35346344, PMCID: PMC8962531

Genome-Nilou Lab
Classification: Uncertain significance for Tuberous sclerosis 2. Last evaluated: 2021-11-07. Review status: criteria provided, single submitter. Criteria: ACMG Guidelines, 2015. Collection method: clinical testing. Allele origin: germline. Affected: no.

ITMI
No classification provided. Condition: AllHighlyPenetrant. Last evaluated: 2013-09-19. Review status: no classification provided. Collection method: reference population. Allele origin: germline. Not counted in ClinVar's aggregate classification.
Comment: Please see associated publication for description of ethnicities

Literature cited by the submitters: PubMed 24728327 (cited by Ambry Genetics and ITMI).